The following is an entry in ClinVar:

NM_015275.3(WASHC4):c.443C>G (p.Ser148Cys)

Gene: WASHC4 (WASH complex subunit 4; plus strand). Cytogenetic location: 12q23.3.
Variant type: single nucleotide variant.
Coding change: c.443C>G on transcript NM_015275.3 (MANE Select); coding-DNA position 443, C replaced by G.
Protein change: p.Ser148Cys; replaces serine 148 with cysteine.
Molecular consequence: missense variant.
Genome position (GRCh38, 1-based): chr12:105,118,453, C>G. VCF-style: chr12-105118453-C-G. GRCh37 (hg19) VCF-style: chr12-105512231-C-G.
Other names: c.443C>G, p.Ser148Cys (NM_001293640.2); short protein forms S148C.
Identifiers: ClinVar variation 1032674 (VCV001032674.1), dbSNP rs1880398314, ClinGen allele CA386357911.

ClinVar aggregate classification (germline): Uncertain significance (1 of 4 stars; one submission).

Conditions:
Intellectual developmental disorder, autosomal recessive 43. Also called: Intellectual disability, autosomal recessive 43. Identifiers: Orphanet 88616, MedGen C4014386, MONDO:0014354, OMIM 615817.

Allele frequency attached by ClinVar (database versions not stated): TOPMed below 0.00001; gnomAD 0.00001.
gnomAD v4.1: 1 of 1,611,844 alleles (0.000062%); highest among the groups gnomAD compares: Non-Finnish European, 0.000085%; no homozygotes.

Submission:

Baylor Genetics
Classification: Uncertain significance for Intellectual developmental disorder, autosomal recessive 43. Last evaluated: 2018-01-01. Review status: criteria provided, single submitter. Criteria: ACMG Guidelines, 2015. Collection method: clinical testing. Allele origin: maternal. Affected: yes.
Comment: This variant was determined to be of uncertain significance according to ACMG Guidelines, 2015 [PMID:25741868].